The following is an entry in ClinVar:

NM_017534.6(MYH2):c.2305-1G>A

Genes: MYH2 (myosin heavy chain 2; minus strand), MYHAS (myosin heavy chain gene cluster antisense RNA; plus strand). Cytogenetic location: 17p13.1.
Variant type: single nucleotide variant.
Coding change: c.2305-1G>A on transcript NM_017534.6 (MANE Select); the canonical splice acceptor site of the intron before coding-DNA position 2305, G replaced by A.
Molecular consequence: splice acceptor variant.
Genome position (GRCh38, 1-based): chr17:10,533,422, C>T on the plus strand (G>A on the coding strand, the complement: MYH2 is on the minus strand). VCF-style: chr17-10533422-C-T. GRCh37 (hg19) VCF-style: chr17-10436739-C-T.
Other names: c.2305-1G>A (NM_001100112.2).
Identifiers: ClinVar variation 1477208 (VCV001477208.12), dbSNP rs2142305562, ClinGen allele CA398148677.
Genomic context (GRCh38, chr17:10,533,422, plus strand): 5'-GGCCAGCTTGTCATCTCGCATCTCCTCTAGGAGCCCCAGAAGACCAGCTTTGAAAAAGAC[C>T]TGTGAATGGAAAGAGTTGCAAATCACAAGCTTTAATAAAGTTCAAAGGGACAGGAATAGC-3'

ClinVar aggregate classification (germline): Pathogenic/Likely pathogenic. Review status: criteria provided, multiple submitters, no conflicts (2 of 4 stars). 2 submissions from 2 submitters: Pathogenic (1); Likely pathogenic (1). Last evaluated 2026-01-01.

Conditions:
Myopathy, proximal, and ophthalmoplegia (CMYO6). Also called: CONGENITAL MYOPATHY 6 WITH OPHTHALMOPLEGIA; INCLUSION BODY MYOPATHY 3, AUTOSOMAL DOMINANT; MYOPATHY WITH CONGENITAL JOINT CONTRACTURES, OPHTHALMOPLEGIA, AND RIMMED VACUOLES. Identifiers: Orphanet 363677, Orphanet 79091, MedGen C1854106, MONDO:0011577, OMIM 605637.

Allele frequency attached by ClinVar (database versions not stated): gnomAD exomes below 0.00001.

Submissions (2):

CeGaT Center for Human Genetics Tuebingen
Classification: Pathogenic. Last evaluated: 2026-01-01. Review status: criteria provided, single submitter. Criteria: CeGaT Center For Human Genetics Tuebingen Variant Classification Criteria Version 2. Collection method: clinical testing. Allele origin: germline. Affected: yes. Observed: 1 variant allele.
Comment: MYH2: PVS1, PM2

Labcorp Genetics (formerly Invitae), Labcorp
Classification: Likely pathogenic for Myopathy, proximal, and ophthalmoplegia. Last evaluated: 2022-08-16. Review status: criteria provided, single submitter. Criteria: Invitae Variant Classification Sherloc (09022015). Collection method: clinical testing. Allele origin: germline.
Comment: In summary, the currently available evidence indicates that the variant is pathogenic, but additional data are needed to prove that conclusively. Therefore, this variant has been classified as Likely Pathogenic. This sequence change affects an acceptor splice site in intron 20 of the MYH2 gene. It is expected to disrupt RNA splicing. Variants that disrupt the donor or acceptor splice site typically lead to a loss of protein function (PMID: 16199547), and loss-of-function variants in MYH2 are known to be pathogenic (PMID: 20418530, 23388406, 24193343). This variant is not present in population databases (gnomAD no frequency). This variant has not been reported in the literature in individuals affected with MYH2-related conditions. ClinVar contains an entry for this variant (Variation ID: 1477208). Algorithms developed to predict the effect of sequence changes on RNA splicing suggest that this variant may disrupt the consensus splice site.

Literature cited by the submitters: PubMed 16199547 (cited by Labcorp Genetics (formerly Invitae), Labcorp); PubMed 20418530 (cited by Labcorp Genetics (formerly Invitae), Labcorp); PubMed 23388406 (cited by Labcorp Genetics (formerly Invitae), Labcorp); PubMed 24193343 (cited by Labcorp Genetics (formerly Invitae), Labcorp).